The following is an entry in ClinVar:

ClinVar aggregate classification (germline): Uncertain significance (1 of 4 stars; one submission).

Conditions:
Cohen syndrome (COH1). Also called: PEPPER SYNDROME; Cutis verticis gyrata, retinitis pigmentosa, and sensorineural deafness. Identifiers: Orphanet 193, MedGen C0265223, MONDO:0008999, OMIM 216550.

Allele frequency attached by ClinVar (database versions not stated): gnomAD exomes below 0.00001; ExAC 0.00001.
gnomAD v4.1: 6 of 1,614,028 alleles (0.00037%); highest among the groups gnomAD compares: Middle Eastern, 0.017%; no homozygotes.

Submission:

Labcorp Genetics (formerly Invitae), Labcorp
Classification: Uncertain significance for Cohen syndrome. Last evaluated: 2022-12-11. Review status: criteria provided, single submitter. Criteria: Invitae Variant Classification Sherloc (09022015). Collection method: clinical testing. Allele origin: germline.
Comment: This sequence change replaces histidine, which is basic and polar, with arginine, which is basic and polar, at codon 2860 of the VPS13B protein (p.His2860Arg). In summary, the available evidence is currently insufficient to determine the role of this variant in disease. Therefore, it has been classified as a Variant of Uncertain Significance. Advanced modeling of protein sequence and biophysical properties (such as structural, functional, and spatial information, amino acid conservation, physicochemical variation, residue mobility, and thermodynamic stability) performed at Invitae indicates that this missense variant is expected to disrupt VPS13B protein function. This variant has not been reported in the literature in individuals affected with VPS13B-related conditions. This variant is present in population databases (rs749180778, gnomAD 0.0009%).

NM_152564.5(VPS13B):c.8504A>G (p.His2835Arg)

Gene: VPS13B (vacuolar protein sorting 13 homolog B; plus strand). Cytogenetic location: 8q22.2.
Variant type: single nucleotide variant.
Coding change: c.8504A>G on transcript NM_152564.5 (MANE Select); coding-DNA position 8504, A replaced by G.
Protein change: p.His2835Arg; replaces histidine 2835 with arginine.
Molecular consequence: missense variant.
Genome position (GRCh38, 1-based): chr8:99,818,771, A>G. VCF-style: chr8-99818771-A-G. GRCh37 (hg19) VCF-style: chr8-100830999-A-G.
Other names: c.8579A>G, p.His2860Arg (NM_017890.5); short protein forms H2860R, H2835R.
Identifiers: ClinVar variation 2182345 (VCV002182345.4), dbSNP rs749180778, ClinGen allele CA4824490.
Genomic context (GRCh38, chr8:99,818,771, plus strand): 5'-AGATTGTGTTCAGCCCTCTTTTTATCATGAGGAGTCATCTTCCAGACCCCATTATCATAC[A>G]TTTGGAGAAAAGGAGTCTGGGATTGAGTGAAACACAAATTATTCCAGGAAAAGGGCAGGA-3'
Protein context (NP_689777.3, residues 2825-2845): RSHLPDPIII[His2835Arg]LEKRSLGLSE